The following is an entry in ClinVar:

ClinVar aggregate classification (germline): Uncertain significance (1 of 4 stars; one submission).

Conditions:
Hereditary cancer-predisposing syndrome. Also called: Hereditary neoplastic syndrome; Neoplastic Syndromes, Hereditary; Tumor predisposition; Hereditary Cancer Syndrome. Identifiers: Orphanet 140162, MedGen C0027672, MeSH D009386, MONDO:0015356.

Submission:

Ambry Genetics
Classification: Uncertain significance for Hereditary cancer-predisposing syndrome. Last evaluated: 2025-09-10. Review status: criteria provided, single submitter. Criteria: Ambry Variant Classification Scheme 2023. Collection method: clinical testing. Allele origin: germline.
Comment: The p.E1059A variant (also known as c.3176A>C), located in coding exon 15 of the APC gene, results from an A to C substitution at nucleotide position 3176. The glutamic acid at codon 1059 is replaced by alanine, an amino acid with dissimilar properties. This amino acid position is conserved. In addition, in silico predictors for this gene do not accurately predict pathogenicity. Based on the available evidence, the clinical significance of this variant remains unclear.

NM_000038.6(APC):c.3176A>C (p.Glu1059Ala)

Gene: APC (APC regulator of Wnt signaling pathway; plus strand). Cytogenetic location: 5q22.2.
Variant type: single nucleotide variant.
Coding change: c.3176A>C on transcript NM_000038.6 (MANE Select); coding-DNA position 3176, A replaced by C.
Protein change: p.Glu1059Ala; replaces glutamic acid 1059 with alanine.
Molecular consequence: missense variant. On other transcripts: non-coding transcript variant (2).
Genome position (GRCh38, 1-based): chr5:112,838,770, A>C. VCF-style: chr5-112838770-A-C. GRCh37 (hg19) VCF-style: chr5-112174467-A-C.
Other names: c.3176A>C, p.Glu1059Ala (NM_001127510.3, NM_001354895.2, NM_001407450.1); c.3122A>C, p.Glu1041Ala (NM_001127511.3); c.3230A>C, p.Glu1077Ala (NM_001354896.2, NM_001407447.1, NM_001407448.1 and 1 more transcripts); c.3206A>C, p.Glu1069Ala (NM_001354897.2); c.3101A>C, p.Glu1034Ala (NM_001354898.2); c.3092A>C, p.Glu1031Ala (NM_001354899.2); c.3053A>C, p.Glu1018Ala (NM_001354900.2); c.2999A>C, p.Glu1000Ala (NM_001354901.2, NM_001407453.1); and 11 more; short protein forms E1018A, E1031A, E1077A, E1000A, E1059A, E899A, E930A, E968A.
Identifiers: ClinVar variation 4121878 (VCV004121878.1).